The following is an entry in ClinVar:

NM_018406.7(MUC4):c.8141_8236del (p.Tyr2714_Val2745del)

Gene: MUC4 (mucin 4, cell surface associated). Cytogenetic location: 3q29.
Variant type: Deletion.
Coding change: c.8141_8236del on transcript NM_018406.7 (MANE Select); coding-DNA positions 8141 to 8236, 96 bases deleted.
Protein change: p.Tyr2714_Val2745del.
Molecular consequence: inframe deletion. On other transcripts: genic upstream transcript variant (2).
Genome position: GRCh38: chr3:195,783,346-195,783,441. GRCh37 (hg19): chr3:195,510,217-195,510,312.
Other names: c.11812_11907del, p.Asp3938_Gly3969del (NM_001322468.1); c.83-9134_83-9039del (NM_138297.5); c.83-4984_83-4889del (NM_004532.6).
Identifiers: ClinVar variation 3234355 (VCV003234355.20), dbSNP rs1560342794, ClinGen allele CA2771750.

ClinVar aggregate classification (germline): Likely benign (1 of 4 stars; one submission).

Submission:

CeGaT Center for Human Genetics Tuebingen
Classification: Likely benign. Last evaluated: 2024-04-01. Review status: criteria provided, single submitter. Criteria: CeGaT Center For Human Genetics Tuebingen Variant Classification Criteria Version 2. Collection method: clinical testing. Allele origin: germline. Affected: yes. Observed: 1 variant allele.
Comment: MUC4: PM4, BS2